The following is an entry in ClinVar:

NM_000051.4(ATM):c.6295C>T (p.His2099Tyr)

Genes: ATM (ATM serine/threonine kinase; plus strand), C11orf65 (chromosome 11 open reading frame 65; minus strand). Cytogenetic location: 11q22.3.
Variant type: single nucleotide variant.
Coding change: c.6295C>T on transcript NM_000051.4 (MANE Select); coding-DNA position 6295, C replaced by T.
Protein change: p.His2099Tyr; replaces histidine 2099 with tyrosine.
Molecular consequence: missense variant. On other transcripts: intron variant (2).
Genome position (GRCh38, 1-based): chr11:108,317,469, C>T. VCF-style: chr11-108317469-C-T. GRCh37 (hg19) VCF-style: chr11-108188196-C-T.
Other names: c.6295C>T, p.His2099Tyr (NM_001351834.2); c.641-8398G>A (NM_001330368.2); c.*39-8398G>A (NM_001351110.2); short protein forms H2099Y.
Identifiers: ClinVar variation 4755077 (VCV004755077.1).

ClinVar aggregate classification (germline): Uncertain significance (1 of 4 stars; one submission).

Conditions:
Ataxia-telangiectasia syndrome (AT). Also called: LOUIS-BAR SYNDROME; Cerebello-oculocutaneous telangiectasia; Immunodeficiency with ataxia telangiectasia; Ataxia-telangiectasia, complementation group D; AT, COMPLEMENTATION GROUP C; ATAXIA-TELANGIECTASIA, COMPLEMENTATION GROUP A. Identifiers: Orphanet 100, MedGen C0004135, MONDO:0008840, OMIM 208900.

Submission:

Labcorp Genetics (formerly Invitae), Labcorp
Classification: Uncertain significance for Ataxia-telangiectasia syndrome. Last evaluated: 2025-04-30. Review status: criteria provided, single submitter. Criteria: Invitae Variant Classification Sherloc (09022015). Collection method: clinical testing. Allele origin: germline.
Comment: This sequence change replaces histidine, which is basic and polar, with tyrosine, which is neutral and polar, at codon 2099 of the ATM protein (p.His2099Tyr). This variant is not present in population databases (gnomAD no frequency). This variant has not been reported in the literature in individuals affected with ATM-related conditions. Invitae Evidence Modeling of protein sequence and biophysical properties (such as structural, functional, and spatial information, amino acid conservation, physicochemical variation, residue mobility, and thermodynamic stability) indicates that this missense variant is not expected to disrupt ATM protein function with a negative predictive value of 95%. In summary, the available evidence is currently insufficient to determine the role of this variant in disease. Therefore, it has been classified as a Variant of Uncertain Significance.